The following is an entry in ClinVar:

NM_001130144.3(LTBP3):c.3296A>G (p.Asn1099Ser)

Gene: LTBP3 (latent transforming growth factor beta binding protein 3; minus strand). Cytogenetic location: 11q13.1.
Variant type: single nucleotide variant.
Coding change: c.3296A>G on transcript NM_001130144.3 (MANE Select); coding-DNA position 3296, A replaced by G.
Protein change: p.Asn1099Ser; replaces asparagine 1099 with serine.
Molecular consequence: missense variant. On other transcripts: intron variant (2).
Genome position (GRCh38, 1-based): chr11:65,540,102, T>C on the plus strand (A>G on the coding strand, the complement: LTBP3 is on the minus strand). VCF-style: chr11-65540102-T-C. GRCh37 (hg19) VCF-style: chr11-65307573-T-C.
Other names: c.2893+143A>G (NM_001164266.1); c.3244+143A>G (NM_021070.4); short protein forms N1099S.
Identifiers: ClinVar variation 3233170 (VCV003233170.2), dbSNP rs1395384368, ClinGen allele CA381267199.

ClinVar aggregate classification (germline): Uncertain significance. Review status: criteria provided, multiple submitters, no conflicts (2 of 4 stars). 2 submissions from 2 submitters: Uncertain significance (2). Last evaluated 2026-01-18.

Conditions:
Inborn genetic diseases. Identifiers: MedGen C0950123, MeSH D030342.
Brachyolmia-amelogenesis imperfecta syndrome. Also called: PLATYSPONDYLY WITH AMELOGENESIS IMPERFECTA; Tooth agenesis, selective, 6; Dental anomalies and short stature. Identifiers: Orphanet 2899, MedGen C1832594, MONDO:0011018, OMIM 601216. Disease mechanism: loss of function.

Allele frequency attached by ClinVar (database versions not stated): gnomAD exomes below 0.00001; gnomAD 0.00001; TOPMed 0.00001.

Submissions (2):

Labcorp Genetics (formerly Invitae), Labcorp
Classification: Uncertain significance for Brachyolmia-amelogenesis imperfecta syndrome. Last evaluated: 2026-01-18. Review status: criteria provided, single submitter. Criteria: Invitae Variant Classification Sherloc (09022015). Collection method: clinical testing. Allele origin: germline.
Comment: This sequence change replaces asparagine, which is neutral and polar, with serine, which is neutral and polar, at codon 1099 of the LTBP3 protein (p.Asn1099Ser). This variant is not present in population databases (gnomAD no frequency). This variant has not been reported in the literature in individuals affected with LTBP3-related conditions. ClinVar contains an entry for this variant (Variation ID: 3233170). An algorithm developed to predict the effect of missense changes on protein structure and function (PolyPhen-2) suggests that this variant is likely to be disruptive. In summary, the available evidence is currently insufficient to determine the role of this variant in disease. Therefore, it has been classified as a Variant of Uncertain Significance.

Ambry Genetics
Classification: Uncertain significance for Inborn genetic diseases. Last evaluated: 2023-12-21. Review status: criteria provided, single submitter. Criteria: Ambry Variant Classification Scheme 2023. Collection method: clinical testing. Allele origin: germline.
Comment: The p.N1099S variant (also known as c.3296A>G), located in coding exon 24 of the LTBP3 gene, results from an A to G substitution at nucleotide position 3296. The asparagine at codon 1099 is replaced by serine, an amino acid with highly similar properties. This amino acid position is conserved. In addition, the in silico prediction for this alteration is inconclusive. Since supporting evidence is limited at this time, the clinical significance of this alteration remains unclear.